The following is an entry in ClinVar:

NM_002691.4(POLD1):c.250CCA[1] (p.Pro85del)

Gene: POLD1 (DNA polymerase delta 1, catalytic subunit; plus strand). Cytogenetic location: 19q13.33.
Variant type: Microsatellite.
Coding change: c.250CCA[1] on transcript NM_002691.4 (MANE Select); one copy of the 3-base unit CCA starting at c.250; the reference has two copies in a row; one copy, 3 bases deleted.
Protein change: p.Pro85del; deletes proline 85.
Molecular consequence: inframe deletion. On other transcripts: non-coding transcript variant (1).
Genome position (GRCh38, 1-based): chr19:50,399,421-50,399,423, CCA deleted; deleting any 3 consecutive bases within chr19:50,399,416-50,399,423 gives the same sequence; the position shown is the placement nearest the transcript's 3' end. VCF-style (leftmost placement, unchanged base first): chr19-50399415-ACAC-A. GRCh37 (hg19) VCF-style: chr19-50902672-ACAC-A.
Other names: c.250CCA[1], p.Pro85del (NM_001256849.1, NM_001308632.1, NM_001438210.1 and 3 more transcripts); short protein forms P85del.
Identifiers: ClinVar variation 4735590 (VCV004735590.1).

ClinVar aggregate classification (germline): Uncertain significance (1 of 4 stars; one submission).

Conditions:
POLD1-related polyposis and colorectal cancer syndrome (CRCS10). Also called: COLORECTAL CANCER, SUSCEPTIBILITY TO, ON CHROMOSOME 19q; Colorectal cancer 10; Colorectal cancer, susceptibility to, 10. Identifiers: Orphanet 220460, MedGen C2675481, MONDO:0012953, OMIM 612591.

Submission:

Labcorp Genetics (formerly Invitae), Labcorp
Classification: Uncertain significance for POLD1-related polyposis and colorectal cancer syndrome. Last evaluated: 2026-01-18. Review status: criteria provided, single submitter. Criteria: Invitae Variant Classification Sherloc (09022015). Collection method: clinical testing. Allele origin: germline.
Comment: This variant, c.253_255del, results in the deletion of 1 amino acid(s) of the POLD1 protein (p.Pro85del), but otherwise preserves the integrity of the reading frame. This variant is not present in population databases (gnomAD no frequency). This variant has not been reported in the literature in individuals affected with POLD1-related conditions. Experimental studies and prediction algorithms are not available or were not evaluated, and the functional significance of this variant is currently unknown. In summary, the available evidence is currently insufficient to determine the role of this variant in disease. Therefore, it has been classified as a Variant of Uncertain Significance.